The following is an entry in ClinVar:

ClinVar aggregate classification (germline): Likely benign (1 of 4 stars; one submission).

Allele frequency attached by ClinVar (database versions not stated): ExAC 0.00213; 1000 Genomes Project 0.00300; 1000 Genomes Project 30x 0.00796.

Submission:

CeGaT Center for Human Genetics Tuebingen
Classification: Likely benign. Last evaluated: 2023-02-01. Review status: criteria provided, single submitter. Criteria: CeGaT Center For Human Genetics Tuebingen Variant Classification Criteria Version 2. Collection method: clinical testing. Allele origin: germline. Affected: yes. Observed: 1 variant allele.
Comment: SIGLEC16: BS2

NR_002825.2(SIGLEC16):n.960A>C

Gene: SIGLEC16 (sialic acid binding Ig like lectin 16 (gene/pseudogene); plus strand). Cytogenetic location: 19q13.33.
Variant type: single nucleotide variant.
Molecular consequence: missense variant (on NM_001348364.2). On other transcripts: non-coding transcript variant (1).
Genome position: GRCh38 VCF-style: chr19-49971273-A-C. GRCh37 (hg19) VCF-style: chr19-50474530-A-C.
Other names: c.862A>C, p.Thr288Pro (NM_001348364.2); short protein forms T288P.
Identifiers: ClinVar variation 2650299 (VCV002650299.24), dbSNP rs568484514, ClinGen allele CA9590464.